The following is an entry in ClinVar:

ClinVar aggregate classification (germline): Likely benign. Review status: criteria provided, multiple submitters, no conflicts (2 of 4 stars). 3 submissions from 3 submitters: Likely benign (2). 1 of the submissions does not count toward it. Last evaluated 2025-10-07.

Conditions:
KMT2D-related disorder. Also called: KMT2D-Related Disorders.
Kabuki syndrome. Also called: NIIKAWA-KUROKI SYNDROME; Kabuki make-up syndrome. Identifiers: Orphanet 2322, MedGen C0796004, MONDO:0016512.

Allele frequency attached by ClinVar (database versions not stated): ExAC 0.00002; gnomAD exomes 0.00002; gnomAD 0.00003; TOPMed 0.00005.
gnomAD v4.1: 15 of 1,612,230 alleles (0.00093%); highest among the groups gnomAD compares: Admixed American, 0.015%; no homozygotes.

Submissions (3):

Labcorp Genetics (formerly Invitae), Labcorp
Classification: Likely benign for Kabuki syndrome. Last evaluated: 2025-10-07. Review status: criteria provided, single submitter. Criteria: Invitae Variant Classification Sherloc (09022015). Collection method: clinical testing. Allele origin: germline.

GeneDx
Classification: Likely benign. Last evaluated: 2020-10-28. Review status: criteria provided, single submitter. Criteria: GeneDx Variant Classification Process June 2021. Collection method: clinical testing. Allele origin: germline. Affected: yes.

PreventionGenetics, part of Exact Sciences
Classification: Likely benign for KMT2D-related condition. Last evaluated: 2023-11-30. Review status: no assertion criteria provided. Collection method: clinical testing. Allele origin: germline. Not counted in ClinVar's aggregate classification.
Comment: This variant is classified as likely benign based on ACMG/AMP sequence variant interpretation guidelines (Richards et al. 2015 PMID: 25741868, with internal and published modifications).

NM_003482.4(KMT2D):c.5320-9G>C

Gene: KMT2D (lysine methyltransferase 2D; minus strand). Cytogenetic location: 12q13.12.
Variant type: single nucleotide variant.
Coding change: c.5320-9G>C on transcript NM_003482.4 (MANE Select); 9 bases into the intron before coding-DNA position 5320, G replaced by C.
Molecular consequence: intron variant.
Genome position (GRCh38, 1-based): chr12:49,043,791, C>G on the plus strand (G>C on the coding strand, the complement: KMT2D is on the minus strand). VCF-style: chr12-49043791-C-G. GRCh37 (hg19) VCF-style: chr12-49437574-C-G.
Other names: c.5320-9G>C (NM_003482.3).
Identifiers: ClinVar variation 1290863 (VCV001290863.8), dbSNP rs773104685, ClinGen allele CA6547562.